The following is an entry in ClinVar:

NM_144991.3(TSPEAR):c.1270G>A (p.Ala424Thr)

Gene: TSPEAR (thrombospondin type laminin G domain and EAR repeats; minus strand). Cytogenetic location: 21q22.3.
Variant type: single nucleotide variant.
Coding change: c.1270G>A on transcript NM_144991.3 (MANE Select); coding-DNA position 1270, G replaced by A.
Protein change: p.Ala424Thr; replaces alanine 424 with threonine.
Molecular consequence: missense variant.
Genome position (GRCh38, 1-based): chr21:44,525,719, C>T on the plus strand (G>A on the coding strand, the complement: TSPEAR is on the minus strand). VCF-style: chr21-44525719-C-T. GRCh37 (hg19) VCF-style: chr21-45945602-C-T.
Other names: c.1066G>A, p.Ala356Thr (NM_001272037.2); short protein forms A356T, A424T.
Identifiers: ClinVar variation 3183860 (VCV003183860.2), dbSNP rs782579545, ClinGen allele CA10056654.

ClinVar aggregate classification (germline): Uncertain significance. Review status: criteria provided, multiple submitters, no conflicts (2 of 4 stars). 2 submissions from 2 submitters: Uncertain significance (2). Last evaluated 2025-03-11.

Conditions:
Inborn genetic diseases. Identifiers: MedGen C0950123, MeSH D030342.

Allele frequency attached by ClinVar (database versions not stated): ExAC 0.00001; gnomAD exomes 0.00001; TOPMed 0.00002.
gnomAD v4.1: 11 of 1,614,168 alleles (0.00068%); highest among the groups gnomAD compares: East Asian, 0.0022%; no homozygotes.

Submissions (2):

Greenwood Genetic Center Diagnostic Laboratories, Greenwood Genetic Center
Classification: Uncertain significance. Last evaluated: 2025-03-11. Review status: criteria provided, single submitter. Criteria: ACMG Guidelines, 2015. Collection method: clinical testing. Allele origin: germline.
Comment: PM2, PP3

Ambry Genetics
Classification: Uncertain significance for Inborn genetic diseases. Last evaluated: 2023-12-30. Review status: criteria provided, single submitter. Criteria: Ambry Variant Classification Scheme 2023. Collection method: clinical testing. Allele origin: germline.